The following is an entry in ClinVar:

ClinVar aggregate classification (germline): Uncertain significance (1 of 4 stars; one submission).

Submission:

Greenwood Genetic Center Diagnostic Laboratories, Greenwood Genetic Center
Classification: Uncertain significance. Last evaluated: 2026-05-24. Review status: criteria provided, single submitter. Criteria: ACMG Guidelines, 2015. Collection method: clinical testing. Allele origin: germline.
Comment: PM2, PP2

NM_001330260.2(SCN8A):c.2455A>G (p.Ile819Val)

Gene: SCN8A (sodium voltage-gated channel alpha subunit 8; plus strand). Cytogenetic location: 12q13.13.
Variant type: single nucleotide variant.
Coding change: c.2455A>G on transcript NM_001330260.2 (MANE Select); coding-DNA position 2455, A replaced by G.
Protein change: p.Ile819Val; replaces isoleucine 819 with valine.
Molecular consequence: missense variant.
Genome position (GRCh38, 1-based): chr12:51,762,587, A>G. VCF-style: chr12-51762587-A-G. GRCh37 (hg19) VCF-style: chr12-52156371-A-G.
Other names: c.2455A>G, p.Ile819Val (NM_001177984.3, NM_001369788.1, NM_014191.4); short protein forms I819V.
Identifiers: ClinVar variation 4891102 (VCV004891102.1).